The following is an entry in ClinVar:

ClinVar aggregate classification (germline): Uncertain significance (1 of 4 stars; one submission).

Conditions:
Pitt-Hopkins-like syndrome 2 (PTHSL2). Identifiers: Orphanet 221150, Orphanet 600663, MedGen C3280479, MONDO:0013690, OMIM 614325.

Submission:

Labcorp Genetics (formerly Invitae), Labcorp
Classification: Uncertain significance for Pitt-Hopkins-like syndrome 2. Last evaluated: 2025-04-02. Review status: criteria provided, single submitter. Criteria: Invitae Variant Classification Sherloc (09022015). Collection method: clinical testing. Allele origin: germline.
Comment: This sequence change replaces aspartic acid, which is acidic and polar, with glutamic acid, which is acidic and polar, at codon 77 of the NRXN1 protein (p.Asp77Glu). This variant is not present in population databases (gnomAD no frequency). This variant has not been reported in the literature in individuals affected with NRXN1-related conditions. An algorithm developed to predict the effect of missense changes on protein structure and function (PolyPhen-2) suggests that this variant is likely to be disruptive. In summary, the available evidence is currently insufficient to determine the role of this variant in disease. Therefore, it has been classified as a Variant of Uncertain Significance.

NM_001330078.2(NRXN1):c.231C>G (p.Asp77Glu)

Gene: NRXN1 (neurexin 1; minus strand). Cytogenetic location: 2p16.3.
Variant type: single nucleotide variant.
Coding change: c.231C>G on transcript NM_001330078.2 (MANE Select); coding-DNA position 231, C replaced by G.
Protein change: p.Asp77Glu; replaces aspartic acid 77 with glutamic acid.
Molecular consequence: missense variant.
Genome position (GRCh38, 1-based): chr2:51,028,043, G>C on the plus strand (C>G on the coding strand, the complement: NRXN1 is on the minus strand). VCF-style: chr2-51028043-G-C. GRCh37 (hg19) VCF-style: chr2-51255181-G-C.
Other names: c.231C>G, p.Asp77Glu (NM_001330093.2, NM_001330094.2, NM_001135659.3 and 15 more transcripts); short protein forms D77E.
Identifiers: ClinVar variation 4716591 (VCV004716591.1).
Genomic context (GRCh38, chr2:51,028,043, plus strand): 5'-GCAGAAGATGGAGAAGCTGAGCTGCAGGCGGCCGCCGCGCGTCAGAATCAGCTCCAGGAA[G>C]TCGCAGAAGCCCTCGTCGTCGAAGTAGAGCACGAGGCCGCGGGCGCTGCGAGTCTTGAGC-3'
Protein context (NP_001317007.1, residues 67-87): VLYFDDEGFC[Asp77Glu]FLELILTRGG